The following is an entry in ClinVar:

NM_017934.7(PHIP):c.3852+4T>C

Genes: IRAK1BP1 (interleukin 1 receptor associated kinase 1 binding protein 1; plus strand), PHIP (PHIP subunit of CUL4-Ring ligase complex; minus strand). Cytogenetic location: 6q14.1.
Variant type: single nucleotide variant.
Coding change: c.3852+4T>C on transcript NM_017934.7 (MANE Select); 4 bases into the intron after coding-DNA position 3852, T replaced by C.
Molecular consequence: intron variant.
Genome position (GRCh38, 1-based): chr6:78,955,609, A>G on the plus strand (T>C on the coding strand, the complement: PHIP is on the minus strand). VCF-style: chr6-78955609-A-G. GRCh37 (hg19) VCF-style: chr6-79665326-A-G.
Identifiers: ClinVar variation 2114548 (VCV002114548.4), dbSNP rs1766368800, ClinGen allele CA1640378674.

ClinVar aggregate classification (germline): Uncertain significance (1 of 4 stars; one submission).

Allele frequency attached by ClinVar (database versions not stated): TOPMed 0.00001; gnomAD exomes below 0.00001.
gnomAD v4.1: 1 of 888,272 alleles (0.00011%); highest among the groups gnomAD compares: Admixed American, 0.002%; no homozygotes.

Submission:

Labcorp Genetics (formerly Invitae), Labcorp
Classification: Uncertain significance. Last evaluated: 2025-08-10. Review status: criteria provided, single submitter. Criteria: Invitae Variant Classification Sherloc (09022015). Collection method: clinical testing. Allele origin: germline.
Comment: This sequence change falls in intron 33 of the PHIP gene. It does not directly change the encoded amino acid sequence of the PHIP protein. It affects a nucleotide within the consensus splice site. This variant is not present in population databases (gnomAD no frequency). This variant has not been reported in the literature in individuals affected with PHIP-related conditions. ClinVar contains an entry for this variant (Variation ID: 2114548). Variants that disrupt the consensus splice site are a relatively common cause of aberrant splicing (PMID: 17576681, 9536098). Algorithms developed to predict the effect of sequence changes on RNA splicing suggest that this variant is not likely to affect RNA splicing. In summary, the available evidence is currently insufficient to determine the role of this variant in disease. Therefore, it has been classified as a Variant of Uncertain Significance.

Literature cited by the submitters: PubMed 17576681; PubMed 9536098.